The following is an entry in ClinVar:

ClinVar aggregate classification (germline): Pathogenic/Likely pathogenic. Review status: criteria provided, multiple submitters, no conflicts (2 of 4 stars). 5 submissions from 5 submitters: Pathogenic (2); Likely pathogenic (2). 1 of the submissions does not count toward it. Last evaluated 2025-12-05.

Conditions:
FG syndrome 1 (OKS). Also called: KELLER SYNDROME; MENTAL RETARDATION, LARGE HEAD, IMPERFORATE ANUS, CONGENITAL HYPOTONIA, AND PARTIAL AGENESIS OF CORPUS CALLOSUM; OPITZ-KAVEGGIA SYNDROME; FG Syndrome Type 1 (FGS1). Identifiers: Orphanet 93932, MedGen C5399762, MONDO:0010590, OMIM 305450.
Blepharophimosis - intellectual disability syndrome, MKB type. Also called: BLEPHAROPHIMOSIS-MENTAL RETARDATION SYNDROME, MAAT-KIEVIT-BRUNNER TYPE; X-Linked Ohdo Syndrome (XLOS); Ohdo syndrome, X-linked. Identifiers: Orphanet 293707, MedGen C3698541, MONDO:0010477, OMIM 300895.
MED12-Related Disorders. Also called: MED12-related disorder; MED12-related condition. Identifiers: MedGen CN381102.

Submissions (5):

GeneDx
Classification: Pathogenic. Last evaluated: 2025-12-05. Review status: criteria provided, single submitter. Criteria: GeneDx Variant Classification Process June 2021. Collection method: clinical testing. Allele origin: germline. Affected: yes.
Comment: Not observed at significant frequency in large population cohorts (gnomAD); In silico analysis suggests that this missense variant does not alter protein structure/function; This variant is associated with the following publications: (PMID: 33057194, 35982159, 33244165)

Blueprint Genetics
Classification: Pathogenic for MED12-related disorders. Last evaluated: 2023-10-19. Review status: criteria provided, single submitter. Criteria: ACMG Guidelines, 2015. Collection method: clinical testing. Allele origin: de novo. Affected: yes. Observed: 2 variant alleles.

Centre of Medical Genetics, University Hospital Muenster
Classification: Likely pathogenic. Last evaluated: 2022-11-22. Review status: criteria provided, single submitter. Criteria: ACMG Guidelines, 2015. Collection method: clinical testing. Allele origin: de novo. Affected: yes. Observed: 1 variant allele, 1 heterozygote.
Comment: ACMG categories: PS2,PM2,PP3,PP5

3billion
Classification: Likely pathogenic for Blepharophimosis - intellectual disability syndrome, MKB type. Last evaluated: 2022-09-01. Review status: criteria provided, single submitter. Criteria: ACMG Guidelines, 2015. Collection method: clinical testing. Allele origin: germline. Affected: yes. Observed: 1 heterozygote.
Comment: The variant is not observed in the gnomAD v2.1.1 dataset. Missense changes are a common disease-causing mechanism. In silico tool predictions suggest no damaging effect of the variant on gene or gene product (REVEL: 0.17; 3Cnet: 0.17). Same nucleotide change resulting in same amino acid change has been previously reported to be associated with MED12-related disorder (ClinVar ID: VCV001201510). The variant has been previously reported as de novo in a similarly affected individual (PMID: 33244165). Therefore, this variant is classified as Likely pathogenic according to the recommendation of ACMG/AMP guideline.

GeneReviews
No classification provided. Condition: FG syndrome. Review status: no classification provided. Collection method: literature only. Allele origin: germline. Not counted in ClinVar's aggregate classification.

Literature cited by the submitters: PubMed 33244165 (cited by 3billion and GeneReviews); PubMed 20301719 (cited by GeneReviews).

NM_005120.3(MED12):c.3646G>A (p.Val1216Met)

Gene: MED12 (mediator complex subunit 12; plus strand). Cytogenetic location: Xq13.1.
Variant type: single nucleotide variant.
Coding change: c.3646G>A on transcript NM_005120.3 (MANE Select); coding-DNA position 3646, G replaced by A.
Protein change: p.Val1216Met; replaces valine 1216 with methionine.
Molecular consequence: missense variant.
Genome position (GRCh38, 1-based): chrX:71,129,384, G>A. VCF-style: chrX-71129384-G-A. GRCh37 (hg19) VCF-style: chrX-70349234-G-A.
Other names: short protein forms V1216M.
Identifiers: ClinVar variation 1201510 (VCV001201510.10), dbSNP rs2147805923, ClinGen allele CA413520321.